The following is an entry in ClinVar:

ClinVar aggregate classification (germline): Uncertain significance. Review status: criteria provided, multiple submitters, no conflicts (2 of 4 stars). 2 submissions from 2 submitters: Uncertain significance (2). Last evaluated 2022-10-13.

Conditions:
Inborn genetic diseases. Identifiers: MedGen C0950123, MeSH D030342.

Allele frequency attached by ClinVar (database versions not stated): gnomAD 0.00001.
gnomAD v4.1: 8 of 1,614,048 alleles (0.0005%); highest among the groups gnomAD compares: Admixed American, 0.0033%; no homozygotes.

Submissions (2):

Labcorp Genetics (formerly Invitae), Labcorp
Classification: Uncertain significance. Last evaluated: 2022-10-13. Review status: criteria provided, single submitter. Criteria: Invitae Variant Classification Sherloc (09022015). Collection method: clinical testing. Allele origin: germline.
Comment: ClinVar contains an entry for this variant (Variation ID: 950396). In summary, the available evidence is currently insufficient to determine the role of this variant in disease. Therefore, it has been classified as a Variant of Uncertain Significance. Advanced modeling of protein sequence and biophysical properties (such as structural, functional, and spatial information, amino acid conservation, physicochemical variation, residue mobility, and thermodynamic stability) has been performed at Invitae for this missense variant, however the output from this modeling did not meet the statistical confidence thresholds required to predict the impact of this variant on SLC34A1 protein function. This variant has not been reported in the literature in individuals affected with SLC34A1-related conditions. This variant is present in population databases (rs768061577, gnomAD 0.006%). This sequence change replaces glutamine, which is neutral and polar, with histidine, which is basic and polar, at codon 303 of the SLC34A1 protein (p.Gln303His).

Ambry Genetics
Classification: Uncertain significance for Inborn genetic diseases. Last evaluated: 2021-09-27. Review status: criteria provided, single submitter. Criteria: Ambry Variant Classification Scheme 2023. Collection method: clinical testing. Allele origin: germline.

NM_003052.5(SLC34A1):c.909G>T (p.Gln303His)

Gene: SLC34A1 (solute carrier family 34 member 1; plus strand). Cytogenetic location: 5q35.3.
Variant type: single nucleotide variant.
Coding change: c.909G>T on transcript NM_003052.5 (MANE Select); coding-DNA position 909, G replaced by T.
Protein change: p.Gln303His; replaces glutamine 303 with histidine.
Molecular consequence: missense variant.
Genome position (GRCh38, 1-based): chr5:177,388,345, G>T. VCF-style: chr5-177388345-G-T. GRCh37 (hg19) VCF-style: chr5-176815346-G-T.
Other names: c.909G>T, p.Gln303His (NM_001167579.2); short protein forms Q303H.
Identifiers: ClinVar variation 950396 (VCV000950396.9), dbSNP rs768061577, ClinGen allele CA3580556.